The following is an entry in ClinVar:

NM_005032.7(PLS3):c.524C>G (p.Pro175Arg)

Gene: PLS3 (plastin 3; plus strand). Cytogenetic location: Xq23.
Variant type: single nucleotide variant.
Coding change: c.524C>G on transcript NM_005032.7 (MANE Select); coding-DNA position 524, C replaced by G.
Protein change: p.Pro175Arg; replaces proline 175 with arginine.
Molecular consequence: missense variant.
Genome position (GRCh38, 1-based): chrX:115,634,023, C>G. VCF-style: chrX-115634023-C-G. GRCh37 (hg19) VCF-style: chrX-114868335-C-G.
Other names: c.524C>G, p.Pro175Arg (NM_001136025.5); c.443C>G, p.Pro148Arg (NM_001172335.3); c.458C>G, p.Pro153Arg (NM_001282337.2); c.389C>G, p.Pro130Arg (NM_001282338.2); short protein forms P130R, P153R, P148R, P175R.
Identifiers: ClinVar variation 3717939 (VCV003717939.2).

ClinVar aggregate classification (germline): Uncertain significance (1 of 4 stars; one submission).

Submission:

Labcorp Genetics (formerly Invitae), Labcorp
Classification: Uncertain significance. Last evaluated: 2024-09-24. Review status: criteria provided, single submitter. Criteria: Invitae Variant Classification Sherloc (09022015). Collection method: clinical testing. Allele origin: germline.
Comment: This sequence change replaces proline, which is neutral and non-polar, with arginine, which is basic and polar, at codon 175 of the PLS3 protein (p.Pro175Arg). This variant is not present in population databases (gnomAD no frequency). This variant has not been reported in the literature in individuals affected with PLS3-related conditions. Invitae Evidence Modeling of protein sequence and biophysical properties (such as structural, functional, and spatial information, amino acid conservation, physicochemical variation, residue mobility, and thermodynamic stability) indicates that this missense variant is not expected to disrupt PLS3 protein function with a negative predictive value of 80%. In summary, the available evidence is currently insufficient to determine the role of this variant in disease. Therefore, it has been classified as a Variant of Uncertain Significance.